The following is an entry in ClinVar:

ClinVar aggregate classification (germline): Benign. Review status: criteria provided, single submitter (1 of 4 stars). 2 submissions from 2 submitters: Benign (1). 1 of the submissions does not count toward it. Last evaluated 2018-06-04.

Conditions:
ACACB-related disorder. Also called: ACACB-related condition.

Allele frequency attached by ClinVar (database versions not stated): gnomAD exomes 0.00083; ExAC 0.00126; ESP Exome Variant Server 0.00277; 1000 Genomes Project 0.00339; 1000 Genomes Project 30x 0.00359; TOPMed 0.00379.
gnomAD v4.1: 1,010 of 1,611,336 alleles (0.063%); highest among the groups gnomAD compares: African/African-American, 1.2%; 11 homozygotes.

Submissions (2):

Labcorp Genetics (formerly Invitae), Labcorp
Classification: Benign. Last evaluated: 2018-06-04. Review status: criteria provided, single submitter. Criteria: Invitae Variant Classification Sherloc (09022015). Collection method: clinical testing. Allele origin: germline.

PreventionGenetics, part of Exact Sciences
Classification: Benign for ACACB-related condition. Last evaluated: 2019-03-26. Review status: no assertion criteria provided. Collection method: clinical testing. Allele origin: germline. Not counted in ClinVar's aggregate classification.
Comment: This variant is classified as benign based on ACMG/AMP sequence variant interpretation guidelines (Richards et al. 2015 PMID: 25741868, with internal and published modifications).

NM_001093.4(ACACB):c.1438-5G>A

Gene: ACACB (acetyl-CoA carboxylase beta; plus strand). Cytogenetic location: 12q24.11.
Variant type: single nucleotide variant.
Coding change: c.1438-5G>A on transcript NM_001093.4 (MANE Select); 5 bases into the intron before coding-DNA position 1438, G replaced by A.
Molecular consequence: intron variant.
Genome position (GRCh38, 1-based): chr12:109,179,083, G>A. VCF-style: chr12-109179083-G-A. GRCh37 (hg19) VCF-style: chr12-109616888-G-A.
Identifiers: ClinVar variation 712122 (VCV000712122.5), dbSNP rs183257437, ClinGen allele CA6773295.